The following is an entry in ClinVar:

NM_001369.3(DNAH5):c.13595del (p.Gly4532fs)

Gene: DNAH5 (dynein axonemal heavy chain 5; minus strand). Cytogenetic location: 5p15.2.
Variant type: Deletion.
Coding change: c.13595del on transcript NM_001369.3 (MANE Select); coding-DNA position 13595, one base deleted (G; older notation c.13595delG).
Protein change: p.Gly4532fs; shifts the reading frame from glycine 4532.
Molecular consequence: frameshift variant.
Genome position (GRCh38, 1-based): chr5:13,700,768, C deleted on the plus strand (G on the coding strand, the reverse complement: DNAH5 is on the minus strand); the first of 3 consecutive C bases (chr5:13,700,768-13,700,770); deleting any one gives the same sequence. VCF-style (leftmost placement, unchanged base first): chr5-13700767-AC-A. GRCh37 (hg19) VCF-style: chr5-13700876-AC-A.
Other names: short protein forms G4532fs.
Identifiers: ClinVar variation 5004348 (VCV005004348.1).

ClinVar aggregate classification (germline): Pathogenic (1 of 4 stars; one submission).

Conditions:
Primary ciliary dyskinesia 3. Identifiers: Orphanet 244, MedGen C1837618, MONDO:0012085, OMIM 608644.

Submission:

Myriad Genetics, Inc.
Classification: Pathogenic for Primary ciliary dyskinesia 3. Last evaluated: 2025-12-29. Review status: criteria provided, single submitter. Criteria: Myriad Autosomal Dominant, Autosomal Recessive and X-Linked Classification Criteria (2023). Collection method: clinical testing. Allele origin: unknown.
Comment: NM_001369.2(DNAH5):c.13595delG(G4532Vfs*19) is a frameshift variant classified as pathogenic in the context of primary ciliary dyskinesia, DNAH5-related. G4532Vfs*19 has not been observed in cases with relevant disease. Relevant functional assessments of this variant are not available in the literature. G4532Vfs*19 has not been observed in referenced population frequency databases. In summary, NM_001369.2(DNAH5):c.13595delG(G4532Vfs*19) is a frameshift variant in a gene where loss of function is a known mechanism of disease and is predicted to disrupt protein function. Please note: this variant was assessed in the context of healthy population screening.